The following is an entry in ClinVar:

NM_001994.3(F13B):c.1025T>C (p.Ile342Thr)

Gene: F13B (coagulation factor XIII B chain; minus strand). Cytogenetic location: 1q31.3.
Variant type: single nucleotide variant.
Coding change: c.1025T>C on transcript NM_001994.3 (MANE Select); coding-DNA position 1025, T replaced by C.
Protein change: p.Ile342Thr; replaces isoleucine 342 with threonine.
Molecular consequence: missense variant.
Genome position (GRCh38, 1-based): chr1:197,057,159, A>G on the plus strand (T>C on the coding strand, the complement: F13B is on the minus strand). VCF-style: chr1-197057159-A-G. GRCh37 (hg19) VCF-style: chr1-197026289-A-G.
Other names: short protein forms I342T.
Identifiers: ClinVar variation 294581 (VCV000294581.34), dbSNP rs17514281, ClinGen allele CA1308424.

ClinVar aggregate classification (germline): Conflicting classifications of pathogenicity. Review status: criteria provided, conflicting classifications (1 of 4 stars). 4 submissions from 4 submitters: Uncertain significance (1); Benign (1); Likely benign (2). Last evaluated 2026-08-01.

Conditions:
Factor XIII, b subunit, deficiency of. Also called: Factor XIII subunit B deficiency. Identifiers: Orphanet 331, MedGen C2750481, MONDO:0013190, OMIM 613235, HP:0040234.

Allele frequency attached by ClinVar (database versions not stated): 1000 Genomes Project 30x 0.00297; 1000 Genomes Project 0.00339; gnomAD 0.00636 and 0.00637; TOPMed 0.00694; ExAC 0.00698; ESP Exome Variant Server 0.00700; gnomAD exomes 0.00728 and 0.00846.
gnomAD v4.1: 13,327 of 1,613,922 alleles (0.83%); highest among the groups gnomAD compares: Non-Finnish European, 0.96%; 100 homozygotes.

Submissions (4):

CeGaT Center for Human Genetics Tuebingen
Classification: Likely benign. Last evaluated: 2026-08-01. Review status: criteria provided, single submitter. Criteria: CeGaT Center For Human Genetics Tuebingen Variant Classification Criteria Version 2. Collection method: clinical testing. Allele origin: germline. Affected: yes. Observed: 6 variant alleles.
Comment: F13B: BP4, BS2

Labcorp Genetics (formerly Invitae), Labcorp
Classification: Benign. Last evaluated: 2019-12-31. Review status: criteria provided, single submitter. Criteria: Invitae Variant Classification Sherloc (09022015). Collection method: clinical testing. Allele origin: germline.

Illumina Laboratory Services, Illumina
Classification: Uncertain significance for Factor XIII, b subunit, deficiency of. Last evaluated: 2018-01-13. Review status: criteria provided, single submitter. Criteria: ICSL Variant Classification Criteria 13 December 2019. Collection method: clinical testing. Allele origin: germline.

Mayo Clinic Laboratories, Mayo Clinic
Classification: Likely benign. Last evaluated: 2016-08-02. Review status: criteria provided, single submitter. Criteria: ACMG Guidelines, 2015. Collection method: clinical testing. Allele origin: germline. Observed: 6 variant alleles.